The following is an entry in ClinVar:

ClinVar aggregate classification (germline): Uncertain significance (1 of 4 stars; one submission).

Conditions:
Macrocephaly, dysmorphic facies, and psychomotor retardation (MDFPMR). Identifiers: Orphanet 457359, MedGen C4310766, MONDO:0014863, OMIM 617011.

gnomAD v4.1: 2 of 1,613,840 alleles (0.00012%); highest among the groups gnomAD compares: Non-Finnish European, 0.00017%; no homozygotes.

Submission:

Laboratorio de Genetica e Diagnostico Molecular, Hospital Israelita Albert Einstein
Classification: Uncertain significance for Macrocephaly, dysmorphic facies, and psychomotor retardation. Last evaluated: 2023-12-15. Review status: criteria provided, single submitter. Criteria: ACMG Guidelines, 2015. Collection method: clinical testing. Allele origin: germline. Affected: yes.
Comment: ACMG classification criteria: PM2 moderate, BP4 supporting

NM_003922.4(HERC1):c.13457G>C (p.Cys4486Ser)

Gene: HERC1 (HECT and RLD domain containing E3 ubiquitin protein ligase family member 1; minus strand). Cytogenetic location: 15q22.31.
Variant type: single nucleotide variant.
Coding change: c.13457G>C on transcript NM_003922.4 (MANE Select); coding-DNA position 13457, G replaced by C.
Protein change: p.Cys4486Ser; replaces cysteine 4486 with serine.
Molecular consequence: missense variant.
Genome position (GRCh38, 1-based): chr15:63,623,879, C>G on the plus strand (G>C on the coding strand, the complement: HERC1 is on the minus strand). VCF-style: chr15-63623879-C-G. GRCh37 (hg19) VCF-style: chr15-63916078-C-G.
Other names: short protein forms C4486S.
Identifiers: ClinVar variation 4056588 (VCV004056588.1).